The following is an entry in ClinVar:

ClinVar aggregate classification (germline): Conflicting classifications of pathogenicity. Review status: criteria provided, conflicting classifications (1 of 4 stars). 6 submissions from 6 submitters: Uncertain significance (5); Likely benign (1). Last evaluated 2023-04-26.

Conditions:
Inborn genetic diseases. Identifiers: MedGen C0950123, MeSH D030342.
Autosomal recessive limb-girdle muscular dystrophy type 2P. Also called: MUSCULAR DYSTROPHY-DYSTROGLYCANOPATHY, LIMB-GIRDLE, DAG1-RELATED; MUSCULAR DYSTROPHY, LIMB-GIRDLE, TYPE 2P; Limb-Girdle Muscular Dystrophy Type 9C. Identifiers: Orphanet 280333, MedGen C4511963, MONDO:0013440, OMIM 613818.
Muscular dystrophy-dystroglycanopathy (congenital with brain and eye anomalies), type A9. Also called: WALKER-WARBURG SYNDROME OR MUSCLE-EYE BRAIN DISEASE, DAG1-RELATED; Muscular dystrophy-dystroglycanopathy (congenital with brain and eye anomalies), type a, 9. Identifiers: Orphanet 370997, Orphanet 899, MedGen C4225291, MONDO:0014683, OMIM 616538.

Allele frequency attached by ClinVar (database versions not stated): gnomAD exomes 0.00002 and 0.00004; gnomAD 0.00003 and 0.00004; TOPMed 0.00003; ExAC 0.00004.
gnomAD v4.1: 43 of 1,613,788 alleles (0.0027%); highest among the groups gnomAD compares: Non-Finnish European, 0.0027%; no homozygotes.

Submissions (6):

Ambry Genetics
Classification: Likely benign for Inborn genetic diseases. Last evaluated: 2023-04-26. Review status: criteria provided, single submitter. Criteria: Ambry Variant Classification Scheme 2023. Collection method: clinical testing. Allele origin: germline.

GeneDx
Classification: Uncertain significance. Last evaluated: 2022-09-09. Review status: criteria provided, single submitter. Criteria: GeneDx Variant Classification Process June 2021. Collection method: clinical testing. Allele origin: germline. Affected: yes.
Comment: Not observed at significant frequency in large population cohorts (gnomAD); In silico analysis supports that this missense variant does not alter protein structure/function; Has not been previously published as pathogenic or benign to our knowledge

Athena Diagnostics
Classification: Uncertain significance. Last evaluated: 2022-08-05. Review status: criteria provided, single submitter. Criteria: Athena Diagnostics Criteria. Collection method: clinical testing. Allele origin: unknown.

Labcorp Genetics (formerly Invitae), Labcorp
Classification: Uncertain significance for Autosomal recessive limb-girdle muscular dystrophy type 2P; Muscular dystrophy-dystroglycanopathy (congenital with brain and eye anomalies), type A9. Last evaluated: 2021-08-27. Review status: criteria provided, single submitter. Criteria: Invitae Variant Classification Sherloc (09022015). Collection method: clinical testing. Allele origin: germline.
Comment: This sequence change replaces threonine with methionine at codon 708 of the DAG1 protein (p.Thr708Met). The threonine residue is weakly conserved and there is a moderate physicochemical difference between threonine and methionine. This variant is present in population databases (rs758254304, ExAC 0.008%). This variant has not been reported in the literature in individuals affected with DAG1-related conditions. Algorithms developed to predict the effect of missense changes on protein structure and function output the following: SIFT: "Tolerated"; PolyPhen-2: "Benign"; Align-GVGD: "Class C0". The methionine amino acid residue is found in multiple mammalian species, which suggests that this missense change does not adversely affect protein function. In summary, the available evidence is currently insufficient to determine the role of this variant in disease. Therefore, it has been classified as a Variant of Uncertain Significance.

Revvity Omics, Revvity
Classification: Uncertain significance. Last evaluated: 2019-03-07. Review status: criteria provided, single submitter. Criteria: ACMG Guidelines, 2015. Collection method: clinical testing. Allele origin: germline.

Eurofins Ntd Llc (ga)
Classification: Uncertain significance. Last evaluated: 2018-06-25. Review status: criteria provided, single submitter. Criteria: EGL ClinVar v180209 classification definitions. Collection method: clinical testing. Allele origin: germline. Observed: 1 variant allele, 1 heterozygote.

NM_004393.6(DAG1):c.2123C>T (p.Thr708Met)

Gene: DAG1 (dystroglycan 1; plus strand). Cytogenetic location: 3p21.31.
Variant type: single nucleotide variant.
Coding change: c.2123C>T on transcript NM_004393.6 (MANE Select); coding-DNA position 2123, C replaced by T.
Protein change: p.Thr708Met; replaces threonine 708 with methionine.
Molecular consequence: missense variant.
Genome position (GRCh38, 1-based): chr3:49,532,634, C>T. VCF-style: chr3-49532634-C-T. GRCh37 (hg19) VCF-style: chr3-49570067-C-T.
Other names: c.2123C>T, p.Thr708Met (NM_001165928.4, NM_001177634.3, NM_001177635.3 and 9 more transcripts); short protein forms T708M.
Identifiers: ClinVar variation 597686 (VCV000597686.15), dbSNP rs758254304, ClinGen allele CA2399210.